The following is an entry in ClinVar:

ClinVar aggregate classification (germline): Pathogenic/Likely pathogenic. Review status: criteria provided, multiple submitters, no conflicts (2 of 4 stars). 3 submissions from 3 submitters: Pathogenic (1); Likely pathogenic (2). Last evaluated 2025-12-03.

Conditions:
Nemaline myopathy. Also called: Myopathies, Nemaline. Identifiers: Orphanet 607, MedGen C0206157, MONDO:0018958.
Nemaline myopathy 2 (NEM2). Also called: Nemaline myopathy 2, autosomal recessive. Identifiers: MedGen C1850569, MONDO:0009725, OMIM 256030.

Submissions (3):

Dasa
Classification: Likely pathogenic. Last evaluated: 2025-12-03. Review status: criteria provided, single submitter. Criteria: DASA Assertion Criteria. Collection method: clinical testing. Allele origin: germline.
Comment: NM_001164508.2(NEB):c.17986del (p.Thr5996Glnfs*81) is a frameshift variant in NEB predicted to alter the reading frame and introduce a premature termination codon and is predicted to result in an absent or altered protein product. Loss of function is an established disease mechanism for NEB-associated disorders. Also, this variant is rare in population databases. Based on the currently available evidence, this variant is classified as likely pathogenic.

Broad Center for Mendelian Genomics, Broad Institute of MIT and Harvard
Classification: Likely pathogenic for Nemaline myopathy. Last evaluated: 2025-03-10. Review status: criteria provided, single submitter. Criteria: ACMG Guidelines, 2015. Collection method: curation. Allele origin: germline. Inheritance: Autosomal recessive inheritance.
Comment: The p.Thr5996GlnfsTer81 variant in NEB has not been previously reported in the literature in individuals with nemaline myopathy, but has been identified in 0.002% (1/44862) of East Asian chromosomes by the Genome Aggregation Database (gnomAD; dbSNP ID: rs1577890764). Although this variant has been seen in the general population in a heterozygous state, its frequency is low enough to be consistent with a recessive carrier frequency. This variant has also been reported in ClinVar (Variation ID: 662876) and has been interpreted as pathogenic by Invitae. This variant is predicted to cause a frameshift, which alters the protein‚Äôs amino acid sequence beginning at position 5996 and leads to a premature termination codon 81 amino acids downstream. This alteration is then predicted to lead to a truncated or absent protein. Loss of function of the NEB gene is an established disease mechanism in autosomal recessive nemaline myopathy. In summary, although additional studies are required to fully establish its clinical significance, this variant is likely pathogenic for autosomal recessive nemaline myopathy. ACMG/AMP Criteria applied: PVS1, PM2_supporting (Richards 2015).

Labcorp Genetics (formerly Invitae), Labcorp
Classification: Pathogenic for Nemaline myopathy 2. Last evaluated: 2022-07-19. Review status: criteria provided, single submitter. Criteria: Invitae Variant Classification Sherloc (09022015). Collection method: clinical testing. Allele origin: germline.
Comment: For these reasons, this variant has been classified as Pathogenic. ClinVar contains an entry for this variant (Variation ID: 662876). This variant has not been reported in the literature in individuals affected with NEB-related conditions. This variant is not present in population databases (gnomAD no frequency). This sequence change creates a premature translational stop signal (p.Thr5996Glnfs*81) in the NEB gene. It is expected to result in an absent or disrupted protein product. Loss-of-function variants in NEB are known to be pathogenic (PMID: 25205138).

Literature cited by the submitters: PubMed 25205138 (cited by Labcorp Genetics (formerly Invitae), Labcorp).

NM_001164508.2(NEB):c.17986del (p.Thr5996fs)

Gene: NEB (nebulin; minus strand). Cytogenetic location: 2q23.3.
Variant type: Deletion.
Coding change: c.17986del on transcript NM_001164508.2 (MANE Select); coding-DNA position 17986, one base deleted (A; older notation c.17986delA).
Protein change: p.Thr5996fs; shifts the reading frame from threonine 5996.
Molecular consequence: frameshift variant.
Genome position (GRCh38, 1-based): chr2:151,567,338, T deleted on the plus strand (A on the coding strand, the reverse complement: NEB is on the minus strand); the first of 4 consecutive T bases (chr2:151,567,338-151,567,341); deleting any one gives the same sequence. VCF-style (leftmost placement, unchanged base first): chr2-151567337-GT-G. GRCh37 (hg19) VCF-style: chr2-152423851-GT-G.
Other names: NM_001164508.2(NEB):c.17986del; p.Thr5996fs; c.17986del, p.Thr5996fs (NM_001164507.2, NM_001271208.2); c.12883del, p.Thr4295fs (NM_004543.5); short protein forms T4295fs, T5996fs.
Identifiers: ClinVar variation 662876 (VCV000662876.9), dbSNP rs1577890764, ClinGen allele CA915942823.
Genomic context (GRCh38, chr2:151,567,337, plus strand): 5'-TGCCCCTGCTTGGCGGCCAAGACTGACACCATATCAGCAGGTATATTGATTTTGGCCTTT[GT>G]TTTGTGATAGTCCTCTTTGTATAGTCTCTCATTCTGAATCTGGCCTGCATGCTCAAACCA-3'